The following is an entry in ClinVar:

NM_020937.4(FANCM):c.1396+10A>G

Gene: FANCM (FA complementation group M; plus strand). Cytogenetic location: 14q21.2.
Variant type: single nucleotide variant.
Coding change: c.1396+10A>G on transcript NM_020937.4 (MANE Select); 10 bases into the intron after coding-DNA position 1396, A replaced by G.
Molecular consequence: intron variant.
Genome position (GRCh38, 1-based): chr14:45,155,469, A>G. VCF-style: chr14-45155469-A-G. GRCh37 (hg19) VCF-style: chr14-45624672-A-G.
Other names: c.1318+10A>G (NM_001308133.2); c.1396+10A>G (NM_001308134.2, NM_020937.3).
Identifiers: ClinVar variation 456251 (VCV000456251.14), dbSNP rs371211104, ClinGen allele CA7169032.

ClinVar aggregate classification (germline): Likely benign. Review status: criteria provided, multiple submitters, no conflicts (2 of 4 stars). 3 submissions from 3 submitters: Likely benign (2). 1 of the submissions does not count toward it. Last evaluated 2025-12-01.

Conditions:
FANCM-related disorder. Also called: FANCM-related condition.
Fanconi anemia (FA). Also called: Fanconi's anemia. Identifiers: Orphanet 84, MedGen C0015625, MeSH D005199, MONDO:0019391.

Allele frequency attached by ClinVar (database versions not stated): ExAC 0.00006; gnomAD exomes 0.00006; gnomAD 0.00007 and 0.00009; ESP Exome Variant Server 0.00008; TOPMed 0.00009.
gnomAD v4.1: 87 of 1,353,526 alleles (0.0064%); highest among the groups gnomAD compares: Admixed American, 0.017%; no homozygotes.

Submissions (3):

Labcorp Genetics (formerly Invitae), Labcorp
Classification: Likely benign for Fanconi anemia. Last evaluated: 2025-12-01. Review status: criteria provided, single submitter. Criteria: Invitae Variant Classification Sherloc (09022015). Collection method: clinical testing. Allele origin: germline.

Blueprint Genetics
Classification: Likely benign. Last evaluated: 2021-06-14. Review status: criteria provided, single submitter. Criteria: ACMG Guidelines, 2015. Collection method: clinical testing. Allele origin: germline.

PreventionGenetics, part of Exact Sciences
Classification: Likely benign for FANCM-related condition. Last evaluated: 2020-12-29. Review status: no assertion criteria provided. Collection method: clinical testing. Allele origin: germline. Not counted in ClinVar's aggregate classification.
Comment: This variant is classified as likely benign based on ACMG/AMP sequence variant interpretation guidelines (Richards et al. 2015 PMID: 25741868, with internal and published modifications).